The following is an entry in ClinVar:

ClinVar aggregate classification (germline): Pathogenic (1 of 4 stars; one submission).

Conditions:
Hereditary cancer-predisposing syndrome. Also called: Tumor predisposition; Neoplastic Syndromes, Hereditary; Hereditary Cancer Syndrome; Hereditary neoplastic syndrome. Identifiers: Orphanet 140162, MedGen C0027672, MeSH D009386, MONDO:0015356.

Submission:

Ambry Genetics
Classification: Pathogenic for Hereditary cancer-predisposing syndrome. Last evaluated: 2025-02-25. Review status: criteria provided, single submitter. Criteria: Ambry Variant Classification Scheme 2023. Collection method: clinical testing. Allele origin: germline.
Comment: The c.1552_1553delAT pathogenic mutation, located in coding exon 10 of the MSH3 gene, results from a deletion of two nucleotides at nucleotide positions 1552 to 1553, causing a translational frameshift with a predicted alternate stop codon (p.M518Afs*5). This variant is considered to be rare based on population cohorts in the Genome Aggregation Database (gnomAD). This alteration is expected to result in loss of function by premature protein truncation or nonsense-mediated mRNA decay. As such, this alteration is interpreted as a disease-causing mutation.

NM_002439.5(MSH3):c.1552_1553del (p.Met518fs)

Gene: MSH3 (mutS homolog 3; plus strand). Cytogenetic location: 5q14.1.
Variant type: Deletion.
Coding change: c.1552_1553del on transcript NM_002439.5 (MANE Select); coding-DNA positions 1552 to 1553, 2 bases deleted (AT; older notation c.1552_1553delAT).
Protein change: p.Met518fs; shifts the reading frame from methionine 518.
Molecular consequence: frameshift variant.
Genome position (GRCh38, 1-based): chr5:80,728,949-80,728,950, AT deleted. VCF-style (leftmost placement, unchanged base first): chr5-80728948-GAT-G. GRCh37 (hg19) VCF-style: chr5-80024767-GAT-G.
Other names: short protein forms M518fs.
Identifiers: ClinVar variation 3874988 (VCV003874988.1).